The following is an entry in ClinVar:

ClinVar aggregate classification (germline): Uncertain significance (1 of 4 stars; one submission).

Conditions:
Regional enteritis. Also called: Enteritis, Granulomatous. Identifiers: MedGen C0678202, MeSH D003424.
Blau syndrome (BLAUS). Also called: ARTHROCUTANEOUVEAL GRANULOMATOSIS; GRANULOMATOSIS, FAMILIAL JUVENILE SYSTEMIC; GRANULOMATOSIS, FAMILIAL, BLAU TYPE; GRANULOMATOUS INFLAMMATORY ARTHRITIS, DERMATITIS, AND UVEITIS, FAMILIAL; JABS SYNDROME. Identifiers: Orphanet 90340, MedGen C5201146, MONDO:0008523, OMIM 186580.

Submission:

Labcorp Genetics (formerly Invitae), Labcorp
Classification: Uncertain significance for Regional enteritis; Blau syndrome. Last evaluated: 2024-10-24. Review status: criteria provided, single submitter. Criteria: Invitae Variant Classification Sherloc (09022015). Collection method: clinical testing. Allele origin: germline.
Comment: This sequence change replaces serine, which is neutral and polar, with phenylalanine, which is neutral and non-polar, at codon 683 of the NOD2 protein (p.Ser683Phe). This variant is not present in population databases (gnomAD no frequency). This variant has not been reported in the literature in individuals affected with NOD2-related conditions. Invitae Evidence Modeling of protein sequence and biophysical properties (such as structural, functional, and spatial information, amino acid conservation, physicochemical variation, residue mobility, and thermodynamic stability) indicates that this missense variant is expected to disrupt NOD2 protein function with a positive predictive value of 95%. In summary, the available evidence is currently insufficient to determine the role of this variant in disease. Therefore, it has been classified as a Variant of Uncertain Significance.

NM_001370466.1(NOD2):c.1967C>T (p.Ser656Phe)

Gene: NOD2 (nucleotide binding oligomerization domain containing 2; plus strand). Cytogenetic location: 16q12.1.
Variant type: single nucleotide variant.
Coding change: c.1967C>T on transcript NM_001370466.1 (MANE Select); coding-DNA position 1967, C replaced by T.
Protein change: p.Ser656Phe; replaces serine 656 with phenylalanine.
Molecular consequence: missense variant. On other transcripts: non-coding transcript variant (1).
Genome position (GRCh38, 1-based): chr16:50,711,959, C>T. VCF-style: chr16-50711959-C-T. GRCh37 (hg19) VCF-style: chr16-50745870-C-T.
Other names: c.1967C>T, p.Ser656Phe (NM_001293557.2); c.2048C>T, p.Ser683Phe (NM_022162.3); short protein forms S656F, S683F.
Identifiers: ClinVar variation 3761737 (VCV003761737.2).